The following is an entry in ClinVar:

ClinVar aggregate classification (germline): Uncertain significance. Review status: criteria provided, multiple submitters, no conflicts (2 of 4 stars). 3 submissions from 3 submitters: Uncertain significance (3). Last evaluated 2025-07-29.

Conditions:
Arrhythmogenic right ventricular dysplasia 5. Also called: Arrhythmogenic Right Ventricular Dysplasia/Cardiomyopathy 5; ARRHYTHMOGENIC RIGHT VENTRICULAR DYSPLASIA, FAMILIAL, 5. Identifiers: MedGen C1858379, MONDO:0011459, OMIM 604400.
Cardiovascular phenotype. Identifiers: MedGen CN230736.

Allele frequency attached by ClinVar (database versions not stated): TOPMed below 0.00001; gnomAD 0.00002; gnomAD exomes below 0.00001.

Submissions (3):

Labcorp Genetics (formerly Invitae), Labcorp
Classification: Uncertain significance for Arrhythmogenic right ventricular dysplasia 5. Last evaluated: 2025-07-29. Review status: criteria provided, single submitter. Criteria: Invitae Variant Classification Sherloc (09022015). Collection method: clinical testing. Allele origin: germline.
Comment: This sequence change replaces proline, which is neutral and non-polar, with arginine, which is basic and polar, at codon 395 of the TMEM43 protein (p.Pro395Arg). This variant is present in population databases (no rsID available, gnomAD 0.01%). This variant has not been reported in the literature in individuals affected with TMEM43-related conditions. ClinVar contains an entry for this variant (Variation ID: 850108). An algorithm developed to predict the effect of missense changes on protein structure and function (PolyPhen-2) suggests that this variant is likely to be tolerated. In summary, the available evidence is currently insufficient to determine the role of this variant in disease. Therefore, it has been classified as a Variant of Uncertain Significance.

GeneDx
Classification: Uncertain significance. Last evaluated: 2021-01-12. Review status: criteria provided, single submitter. Criteria: GeneDx Variant Classification Process June 2021. Collection method: clinical testing. Allele origin: germline. Affected: yes.
Comment: Has not been previously published as pathogenic or benign to our knowledge; Not observed at a significant frequency in large population cohorts (Lek et al., 2016); In silico analysis supports that this missense variant does not alter protein structure/function; Reported in ClinVar as a variant of uncertain significance (ClinVar Variant ID# 850108; Landrum et al., 2016)

Ambry Genetics
Classification: Uncertain significance for Cardiovascular phenotype. Last evaluated: 2020-07-27. Review status: criteria provided, single submitter. Criteria: Ambry Variant Classification Scheme 2023. Collection method: clinical testing. Allele origin: germline.
Comment: The p.P395R variant (also known as c.1184C>G), located in coding exon 12 of the TMEM43 gene, results from a C to G substitution at nucleotide position 1184. The proline at codon 395 is replaced by arginine, an amino acid with dissimilar properties. This amino acid position is not well conserved in available vertebrate species. In addition, this alteration is predicted to be tolerated by in silico analysis. Since supporting evidence is limited at this time, the clinical significance of this alteration remains unclear.

NM_024334.3(TMEM43):c.1184C>G (p.Pro395Arg)

Gene: TMEM43 (transmembrane protein 43; plus strand). Cytogenetic location: 3p25.1.
Variant type: single nucleotide variant.
Coding change: c.1184C>G on transcript NM_024334.3 (MANE Select); coding-DNA position 1184, C replaced by G.
Protein change: p.Pro395Arg; replaces proline 395 with arginine.
Molecular consequence: missense variant.
Genome position (GRCh38, 1-based): chr3:14,141,776, C>G. VCF-style: chr3-14141776-C-G. GRCh37 (hg19) VCF-style: chr3-14183276-C-G.
Other names: short protein forms P395R.
Identifiers: ClinVar variation 850108 (VCV000850108.13), dbSNP rs1169613716, ClinGen allele CA351536689.